The following is an entry in ClinVar:

NM_001378452.1(ITPR1):c.3025C>T (p.Arg1009Ter)

Gene: ITPR1 (inositol 1,4,5-trisphosphate receptor type 1; plus strand). Cytogenetic location: 3p26.1.
Variant type: single nucleotide variant.
Coding change: c.3025C>T on transcript NM_001378452.1 (MANE Select); coding-DNA position 3025, C replaced by T.
Protein change: p.Arg1009Ter; replaces arginine 1009 with a stop codon.
Molecular consequence: nonsense.
Genome position (GRCh38, 1-based): chr3:4,680,610, C>T. VCF-style: chr3-4680610-C-T. GRCh37 (hg19) VCF-style: chr3-4722294-C-T.
Other names: c.2998C>T, p.Arg1000Ter (NM_001099952.4); c.2980C>T, p.Arg994Ter (NM_001168272.2); c.2953C>T, p.Arg985Ter (NM_002222.7); short protein forms R1000*, R1009*, R985*, R994*.
Identifiers: ClinVar variation 3257467 (VCV003257467.17).

ClinVar aggregate classification (germline): Pathogenic (1 of 4 stars; one submission).

Submission:

CeGaT Center for Human Genetics Tuebingen
Classification: Pathogenic. Last evaluated: 2024-07-01. Review status: criteria provided, single submitter. Criteria: CeGaT Center For Human Genetics Tuebingen Variant Classification Criteria Version 2. Collection method: clinical testing. Allele origin: germline. Affected: yes. Observed: 1 variant allele.
Comment: ITPR1: PVS1, PM2